The following is an entry in ClinVar:

ClinVar aggregate classification (germline): Pathogenic (1 of 4 stars; one submission).

Conditions:
Ellis-van Creveld syndrome (EVC). Also called: MESOECTODERMAL DYSPLASIA; Chondroectodermal dysplasia; EVC-Related Ellis-van Creveld Syndrome; EVC2-Related Ellis-van Creveld Syndrome. Identifiers: Orphanet 289, MedGen C0013903, MONDO:0009162, OMIM 225500.
Curry-Hall syndrome (WAD). Also called: WEYERS ACRODENTAL DYSOSTOSIS. Identifiers: Orphanet 952, MedGen C0457013, MONDO:0008673, OMIM 193530.

Submission:

Labcorp Genetics (formerly Invitae), Labcorp
Classification: Pathogenic for Curry-Hall syndrome; Ellis-van Creveld syndrome. Last evaluated: 2023-12-25. Review status: criteria provided, single submitter. Criteria: Invitae Variant Classification Sherloc (09022015). Collection method: clinical testing. Allele origin: unknown.
Comment: This variant is a gross deletion of the genomic region encompassing exon(s) 3-11 of the EVC gene. This variant would be expected to be in-frame, preserving the integrity of the reading frame. This variant has not been reported in the literature in individuals affected with EVC-related conditions. This variant disrupts a region of the EVC protein in which other variant(s) (Deletion (Exons 9-10)) have been determined to be pathogenic (Invitae). This suggests that this is a clinically significant region of the protein, and that variants that disrupt it are likely to be disease-causing. For these reasons, this variant has been classified as Pathogenic.

NC_000004.11:g.(?_5731014)_(5758109_?)del

Gene: EVC (EvC ciliary complex subunit 1; plus strand). Cytogenetic location: 4p16.2.
Variant type: Deletion.
Identifiers: ClinVar variation 3246638 (VCV003246638.1).